The following is an entry in ClinVar:

NM_001267550.2(TTN):c.97423G>A (p.Ala32475Thr)

Genes: TTN (titin; minus strand), TTN-AS1 (TTN antisense RNA 1; plus strand). Cytogenetic location: 2q31.2.
Variant type: single nucleotide variant.
Coding change: c.97423G>A on transcript NM_001267550.2 (MANE Select); coding-DNA position 97423, G replaced by A.
Protein change: p.Ala32475Thr; replaces alanine 32475 with threonine.
Molecular consequence: missense variant. On other transcripts: non-coding transcript variant (1).
Genome position (GRCh38, 1-based): chr2:178,542,333, C>T on the plus strand (G>A on the coding strand, the complement: TTN is on the minus strand). VCF-style: chr2-178542333-C-T. GRCh37 (hg19) VCF-style: chr2-179407060-C-T.
Other names: c.92500G>A, p.Ala30834Thr (NM_001256850.1); c.70228G>A, p.Ala23410Thr (NM_003319.4); c.89719G>A, p.Ala29907Thr (NM_133378.4); c.70603G>A, p.Ala23535Thr (NM_133432.3); c.70804G>A, p.Ala23602Thr (NM_133437.4); short protein forms A23602T, A30834T, A32475T, A29907T, A23410T, A23535T.
Identifiers: ClinVar variation 1756730 (VCV001756730.2), dbSNP rs1347342208, ClinGen allele CA349439625.

ClinVar aggregate classification (germline): Uncertain significance (1 of 4 stars; one submission).

Conditions:
Cardiovascular phenotype. Identifiers: MedGen CN230736.

Allele frequency attached by ClinVar (database versions not stated): gnomAD exomes below 0.00001; TOPMed below 0.00001; gnomAD 0.00001.
gnomAD v4.1: 3 of 1,613,086 alleles (0.00019%); highest among the groups gnomAD compares: East Asian, 0.0022%; no homozygotes.

Submission:

Ambry Genetics
Classification: Uncertain significance for Cardiovascular phenotype. Last evaluated: 2019-04-25. Review status: criteria provided, single submitter. Criteria: Ambry Variant Classification Scheme 2023. Collection method: clinical testing. Allele origin: germline.
Comment: The p.A23410T variant (also known as c.70228G>A), located in coding exon 176 of the TTN gene, results from a G to A substitution at nucleotide position 70228. The alanine at codon 23410 is replaced by threonine, an amino acid with similar properties. This amino acid position is highly conserved in available vertebrate species. In addition, this alteration is predicted to be tolerated by in silico analysis. Since supporting evidence is limited at this time, the clinical significance of this alteration remains unclear.